The following is an entry in ClinVar:

ClinVar aggregate classification (germline): Uncertain significance. Review status: criteria provided, multiple submitters, no conflicts (2 of 4 stars). 2 submissions from 2 submitters: Uncertain significance (2). Last evaluated 2022-08-06.

Conditions:
Niemann-Pick disease, type C1. Also called: NEUROVISCERAL STORAGE DISEASE WITH VERTICAL SUPRANUCLEAR OPHTHALMOPLEGIA; NIEMANN-PICK DISEASE WITH CHOLESTEROL ESTERIFICATION BLOCK; NIEMANN-PICK DISEASE WITHOUT SPHINGOMYELINASE DEFICIENCY; NIEMANN-PICK DISEASE, CHRONIC NEURONOPATHIC FORM; NIEMANN-PICK DISEASE, VARIANT TYPE C1. Identifiers: Orphanet 646, MedGen C3179455, MONDO:0009757, OMIM 257220.

Allele frequency attached by ClinVar (database versions not stated): gnomAD exomes 0.00001 and 0.00002; ExAC 0.00002; TOPMed 0.00003; gnomAD 0.00005.
gnomAD v4.1: 16 of 1,614,070 alleles (0.00099%); highest among the groups gnomAD compares: African/African-American, 0.016%; no homozygotes.

Submissions (2):

Labcorp Genetics (formerly Invitae), Labcorp
Classification: Uncertain significance for Niemann-Pick disease, type C1. Last evaluated: 2022-08-06. Review status: criteria provided, single submitter. Criteria: Invitae Variant Classification Sherloc (09022015). Collection method: clinical testing. Allele origin: germline.
Comment: This sequence change replaces glutamic acid, which is acidic and polar, with alanine, which is neutral and non-polar, at codon 1271 of the NPC1 protein (p.Glu1271Ala). This variant is present in population databases (rs773448915, gnomAD 0.01%). This variant has not been reported in the literature in individuals affected with NPC1-related conditions. ClinVar contains an entry for this variant (Variation ID: 593418). Advanced modeling of protein sequence and biophysical properties (such as structural, functional, and spatial information, amino acid conservation, physicochemical variation, residue mobility, and thermodynamic stability) performed at Invitae indicates that this missense variant is expected to disrupt NPC1 protein function. In summary, the available evidence is currently insufficient to determine the role of this variant in disease. Therefore, it has been classified as a Variant of Uncertain Significance.

Eurofins Ntd Llc (ga)
Classification: Uncertain significance. Last evaluated: 2017-07-24. Review status: criteria provided, single submitter. Criteria: EGL Classification Definitions 2015. Collection method: clinical testing. Allele origin: germline. Observed: 2 variant alleles, 2 heterozygotes.

NM_000271.5(NPC1):c.3812A>C (p.Glu1271Ala)

Gene: NPC1 (NPC intracellular cholesterol transporter 1; minus strand). Cytogenetic location: 18q11.2.
Variant type: single nucleotide variant.
Coding change: c.3812A>C on transcript NM_000271.5 (MANE Select); coding-DNA position 3812, A replaced by C.
Protein change: p.Glu1271Ala; replaces glutamic acid 1271 with alanine.
Molecular consequence: missense variant.
Genome position (GRCh38, 1-based): chr18:23,532,227, T>G on the plus strand (A>C on the coding strand, the complement: NPC1 is on the minus strand). VCF-style: chr18-23532227-T-G. GRCh37 (hg19) VCF-style: chr18-21112191-T-G.
Other names: short protein forms E1271A.
Identifiers: ClinVar variation 593418 (VCV000593418.6), dbSNP rs773448915, ClinGen allele CA8912634.